The following is an entry in ClinVar:

ClinVar aggregate classification (germline): Pathogenic/Likely pathogenic. Review status: criteria provided, multiple submitters, no conflicts (2 of 4 stars). 3 submissions from 3 submitters: Pathogenic (2); Likely pathogenic (1). Last evaluated 2026-02-25.

Conditions:
Multiple congenital exostosis (EXT). Also called: MULTIPLE CARTILAGINOUS EXOSTOSES; Multiple exostoses; Hereditary multiple exostoses; Hereditary multiple exostosis; Hereditary multiple osteochondromas; Multiple osteochondromas. Identifiers: Orphanet 321, MedGen C0015306, MONDO:0005508, HP:0002762.
EXT1-related disorders.

Submissions (3):

Dasa
Classification: Pathogenic. Last evaluated: 2026-02-25. Review status: criteria provided, single submitter. Criteria: DASA Assertion Criteria. Collection method: clinical testing. Allele origin: germline.
Comment: NM_000127.3(EXT1):c.802G>A (p.Gly268Arg) is a missense variant that results in the substitution of glycine with arginine. This variant results in the same amino acid change as a previously established pathogenic variant. This variant has been recurrently observed in individuals with related phenotype (PMID: 19810120; PMID: 40225915). Multiple computational predictions support a deleterious effect on the gene or gene product. The variant is present at low frequency in population datasets. Based on the available data, this variant is classified as pathogenic.

Labcorp Genetics (formerly Invitae), Labcorp
Classification: Pathogenic for Multiple congenital exostosis. Last evaluated: 2023-03-30. Review status: criteria provided, single submitter. Criteria: Invitae Variant Classification Sherloc (09022015). Collection method: clinical testing. Allele origin: germline.
Comment: For these reasons, this variant has been classified as Pathogenic. Advanced modeling of protein sequence and biophysical properties (such as structural, functional, and spatial information, amino acid conservation, physicochemical variation, residue mobility, and thermodynamic stability) performed at Invitae indicates that this missense variant is expected to disrupt EXT1 protein function. ClinVar contains an entry for this variant (Variation ID: 859847). This missense change has been observed in individual(s) with multiple osteochondromas (PMID: 19810120). This variant is not present in population databases (gnomAD no frequency). This sequence change replaces glycine, which is neutral and non-polar, with arginine, which is basic and polar, at codon 268 of the EXT1 protein (p.Gly268Arg).

Blueprint Genetics
Classification: Likely pathogenic for EXT1-related disorders. Last evaluated: 2022-11-11. Review status: criteria provided, single submitter. Criteria: ACMG Guidelines, 2015. Collection method: clinical testing. Allele origin: germline. Affected: yes. Observed: 1 variant allele.

Literature cited by the submitters: PubMed 19810120 (cited by Dasa and Labcorp Genetics (formerly Invitae), Labcorp); PubMed 40225915 (cited by Dasa).

NM_000127.3(EXT1):c.802G>A (p.Gly268Arg)

Gene: EXT1 (exostosin glycosyltransferase 1; minus strand). Cytogenetic location: 8q24.11.
Variant type: single nucleotide variant.
Coding change: c.802G>A on transcript NM_000127.3 (MANE Select); coding-DNA position 802, G replaced by A.
Protein change: p.Gly268Arg; replaces glycine 268 with arginine.
Molecular consequence: missense variant.
Genome position (GRCh38, 1-based): chr8:118,110,245, C>T on the plus strand (G>A on the coding strand, the complement: EXT1 is on the minus strand). VCF-style: chr8-118110245-C-T. GRCh37 (hg19) VCF-style: chr8-119122484-C-T.
Other names: short protein forms G268R.
Identifiers: ClinVar variation 859847 (VCV000859847.11), dbSNP rs1554601492, ClinGen allele CA371915019.